The following is an entry in ClinVar:

NM_000038.6(APC):c.6579_6587delinsGTT (p.Val2194_Lys2196delinsLeu)

Gene: APC (APC regulator of Wnt signaling pathway; plus strand). Cytogenetic location: 5q22.2.
Variant type: Indel.
Coding change: c.6579_6587delinsGTT on transcript NM_000038.6 (MANE Select); coding-DNA positions 6579 to 6587, AGTTTATAA replaced by GTT.
Protein change: p.Val2194_Lys2196delinsLeu.
Molecular consequence: inframe indel.
Genome position (GRCh38, 1-based): chr5:112,842,173-112,842,181, AGTTTATAA replaced by GTT. VCF-style: chr5-112842173-AGTTTATAA-GTT. GRCh37 (hg19) VCF-style: chr5-112177870-AGTTTATAA-GTT.
Other names: c.6495_6503delinsGTT, p.Val2166_Lys2168delinsLeu (NM_001354899.2); c.6456_6464delinsGTT, p.Val2153_Lys2155delinsLeu (NM_001354900.2); c.6402_6410delinsGTT, p.Val2135_Lys2137delinsLeu (NM_001354901.2); c.6306_6314delinsGTT, p.Val2103_Lys2105delinsLeu (NM_001354902.2); c.6276_6284delinsGTT, p.Val2093_Lys2095delinsLeu (NM_001354903.2); c.6201_6209delinsGTT, p.Val2068_Lys2070delinsLeu (NM_001354904.2); c.6099_6107delinsGTT, p.Val2034_Lys2036delinsLeu (NM_001354905.2); c.5730_5738delinsGTT, p.Val1911_Lys1913delinsLeu (NM_001354906.2); and 5 more.
Identifiers: ClinVar variation 470053 (VCV000470053.13), dbSNP rs1554087540, ClinGen allele CA658655998.
Genomic context (GRCh38, chr5:112,842,173, plus strand): 5'-AAGTACATTGGAAACTAAAAAGATAGAATCTGAAAGTAAAGGAATCAAAGGAGGAAAAAA[AGTTTATAA>GTT]AAGTTTGATTACTGGAAAAGTTCGATCTAATTCAGAAATTTCAGGCCAAATGAAACAGCC-3'

ClinVar aggregate classification (germline): Uncertain significance. Review status: criteria provided, multiple submitters, no conflicts (2 of 4 stars). 3 submissions from 3 submitters: Uncertain significance (3). Last evaluated 2025-12-15.

Conditions:
Hereditary cancer-predisposing syndrome. Also called: Hereditary neoplastic syndrome; Neoplastic Syndromes, Hereditary; Tumor predisposition; Hereditary Cancer Syndrome. Identifiers: Orphanet 140162, MedGen C0027672, MeSH D009386, MONDO:0015356.
Familial adenomatous polyposis 1 (FAP1). Also called: POLYPOSIS, ADENOMATOUS INTESTINAL; FAMILIAL ADENOMATOUS POLYPOSIS 1, ATTENUATED. Identifiers: MedGen C2713442, MONDO:0021056, OMIM 175100. Disease mechanism: loss of function.

Submissions (3):

Labcorp Genetics (formerly Invitae), Labcorp
Classification: Uncertain significance for Familial adenomatous polyposis 1. Last evaluated: 2025-12-15. Review status: criteria provided, single submitter. Criteria: Invitae Variant Classification Sherloc (09022015). Collection method: clinical testing. Allele origin: germline.
Comment: This variant, c.6579_6587delinsGTT, is a complex sequence change that results in the deletion of 3 and insertion of 1 amino acid(s) in the APC protein (p.Val2194_Lys2196delinsLeu). Information on the frequency of this variant in the gnomAD database is not available, as this variant may be reported differently in the database. This variant has not been reported in the literature in individuals affected with APC-related conditions. Experimental studies and prediction algorithms are not available or were not evaluated, and the functional significance of this variant is currently unknown. In summary, the available evidence is currently insufficient to determine the role of this variant in disease. Therefore, it has been classified as a Variant of Uncertain Significance.

Color Diagnostics, LLC DBA Color Health
Classification: Uncertain significance for Hereditary cancer-predisposing syndrome. Last evaluated: 2025-04-28. Review status: criteria provided, single submitter. Criteria: ACMG Guidelines, 2015. Collection method: clinical testing. Allele origin: germline.
Comment: This variant results in the replacement of 3 consecutive amino acids at codon 2194-2196 with leucine in the APC protein. To our knowledge, functional studies have not been reported for this variant. This variant has not been reported in individuals affected with APC-related disorders in the literature. This variant has not been identified in the general population by the Genome Aggregation Database (gnomAD). The available evidence is insufficient to determine the role of this variant in disease conclusively. Therefore, this variant is classified as a Variant of Uncertain Significance.

Ambry Genetics
Classification: Uncertain significance for Hereditary cancer-predisposing syndrome. Last evaluated: 2023-11-20. Review status: criteria provided, single submitter. Criteria: Ambry Variant Classification Scheme 2023. Collection method: clinical testing. Allele origin: germline.
Comment: The c.6579_6587delAGTTTATAAinsGTT variant (also known as p.V2194_K2196delinsL), located in coding exon 15 of the APC gene, results from an in-frame deletion of AGTTTATAA and insertion of GTT at nucleotide positions 6579 to 6587. This results in the deletion of 3 residues (VYK) at position 2194 to 2196, and insertion of a leucine residue. This amino acid region is well conserved in available vertebrate species. In addition, in silico predictors for this gene do not accurately predict pathogenicity. Since supporting evidence is limited at this time, the clinical significance of this alteration remains unclear.